The following is an entry in ClinVar:

NM_000091.5(COL4A3):c.288T>A (p.Ser96Arg)

Genes: COL4A3 (collagen type IV alpha 3 chain; plus strand), MFF-DT (MFF divergent transcript; minus strand). Cytogenetic location: 2q36.3.
Variant type: single nucleotide variant.
Coding change: c.288T>A on transcript NM_000091.5 (MANE Select); coding-DNA position 288, T replaced by A.
Protein change: p.Ser96Arg; replaces serine 96 with arginine.
Molecular consequence: missense variant.
Genome position (GRCh38, 1-based): chr2:227,244,959, T>A. VCF-style: chr2-227244959-T-A. GRCh37 (hg19) VCF-style: chr2-228109675-T-A.
Other names: short protein forms S96R.
Identifiers: ClinVar variation 3013917 (VCV003013917.3), dbSNP rs2469494652, ClinGen allele CA350860849.

ClinVar aggregate classification (germline): Uncertain significance (1 of 4 stars; one submission).

Submission:

Labcorp Genetics (formerly Invitae), Labcorp
Classification: Uncertain significance. Last evaluated: 2023-11-13. Review status: criteria provided, single submitter. Criteria: Invitae Variant Classification Sherloc (09022015). Collection method: clinical testing. Allele origin: germline.
Comment: This sequence change replaces serine, which is neutral and polar, with arginine, which is basic and polar, at codon 96 of the COL4A3 protein (p.Ser96Arg). This variant is not present in population databases (gnomAD no frequency). This variant has not been reported in the literature in individuals affected with COL4A3-related conditions. Advanced modeling of protein sequence and biophysical properties (such as structural, functional, and spatial information, amino acid conservation, physicochemical variation, residue mobility, and thermodynamic stability) performed at Invitae indicates that this missense variant is not expected to disrupt COL4A3 protein function with a negative predictive value of 95%. In summary, the available evidence is currently insufficient to determine the role of this variant in disease. Therefore, it has been classified as a Variant of Uncertain Significance.